The following is an entry in ClinVar:

ClinVar aggregate classification (germline): Conflicting classifications of pathogenicity. Review status: criteria provided, conflicting classifications (1 of 4 stars). 9 submissions from 9 submitters: Likely pathogenic (1); Uncertain significance (8). Last evaluated 2025-12-08.

Conditions:
Cardiovascular phenotype. Identifiers: MedGen CN230736.
Long QT syndrome (LQTS). Identifiers: MedGen C0023976, MeSH D008133, MONDO:0002442. Disease mechanism: loss of function. Inheritance: Various modes of inheritance.
Cardiac arrhythmia. Also called: Cardiac rhythm disease; Arrhythmia. Identifiers: MedGen C0003811, MONDO:0007263, HP:0011675.

Allele frequency attached by ClinVar (database versions not stated): TOPMed below 0.00001; gnomAD 0.00001; gnomAD exomes 0.00001 and 0.00002; ExAC 0.00004; 1000 Genomes Project 30x 0.00016; 1000 Genomes Project 0.00020.
gnomAD v4.1: 17 of 1,560,730 alleles (0.0011%); highest among the groups gnomAD compares: African/African-American, 0.0041%; no homozygotes.

Submissions (9):

Labcorp Genetics (formerly Invitae), Labcorp
Classification: Uncertain significance for Long QT syndrome. Last evaluated: 2025-12-08. Review status: criteria provided, single submitter. Criteria: Invitae Variant Classification Sherloc (09022015). Collection method: clinical testing. Allele origin: germline.
Comment: This sequence change replaces arginine, which is basic and polar, with glutamine, which is neutral and polar, at codon 533 of the KCNQ1 protein (p.Arg533Gln). The frequency data for this variant in the population databases is considered unreliable, as metrics indicate poor data quality at this position in the gnomAD database. This variant has not been reported in the literature in individuals affected with KCNQ1-related conditions. ClinVar contains an entry for this variant (Variation ID: 444243). Invitae Evidence Modeling of protein sequence and biophysical properties (such as structural, functional, and spatial information, amino acid conservation, physicochemical variation, residue mobility, and thermodynamic stability) has been performed for this missense variant. However, the output from this modeling did not meet the statistical confidence thresholds required to predict the impact of this variant on KCNQ1 protein function. In summary, the available evidence is currently insufficient to determine the role of this variant in disease. Therefore, it has been classified as a Variant of Uncertain Significance.

Color Diagnostics, LLC DBA Color Health
Classification: Uncertain significance for Cardiac arrhythmia. Last evaluated: 2025-08-11. Review status: criteria provided, single submitter. Criteria: ACMG Guidelines, 2015. Collection method: clinical testing. Allele origin: germline.
Comment: This missense variant replaces arginine with glutamine at codon 533 of the KCNQ1 protein. Computational prediction suggests that this variant may have deleterious impact on protein structure and function. To our knowledge, functional studies have not been reported for this variant. This variant has not been reported in individuals affected with KCNQ1-related disorders in the literature. This variant has been identified in 3/170478 chromosomes in the general population by the Genome Aggregation Database (gnomAD). The available evidence is insufficient to determine the role of this variant in disease conclusively. Therefore, this variant is classified as a Variant of Uncertain Significance.

Women's Health and Genetics/Laboratory Corporation of America, LabCorp
Classification: Uncertain significance. Last evaluated: 2025-06-26. Review status: criteria provided, single submitter. Criteria: LabCorp Variant Classification Summary - May 2015. Collection method: clinical testing. Allele origin: germline.
Comment: Variant summary: KCNQ1 c.1598G>A (p.Arg533Gln) results in a conservative amino acid change in the encoded protein sequence. Algorithms developed to predict the effect of missense changes on protein structure and function are either unavailable or do not agree on the potential impact of this missense change. The variant allele was found at a frequency of 1.8e-05 in 170478 control chromosomes. The available data on variant occurrences in the general population are insufficient to allow any conclusion about variant significance. To our knowledge, no occurrence of c.1598G>A in individuals affected with Jervell And Lange-Nielsen Syndrome or other KCNQ1-related cardiac disorders and no experimental evidence demonstrating its impact on protein function have been reported. The following publications have been ascertained in the context of this evaluation (PMID: 31696929, 35130036). ClinVar contains an entry for this variant (Variation ID: 444243). Based on the evidence outlined above, the variant was classified as uncertain significance.

GeneDx
Classification: Uncertain significance. Last evaluated: 2025-05-13. Review status: criteria provided, single submitter. Criteria: GeneDx Variant Classification Process June 2021. Collection method: clinical testing. Allele origin: germline. Affected: yes.
Comment: Not observed at significant frequency in large population cohorts (gnomAD); In silico analysis supports that this missense variant has a deleterious effect on protein structure/function; Has not been previously published as pathogenic or benign in association with a KCNQ1-related disorder to our knowledge; This variant is associated with the following publications: (PMID: 35130036)

Ambry Genetics
Classification: Uncertain significance for Cardiovascular phenotype. Last evaluated: 2024-06-12. Review status: criteria provided, single submitter. Criteria: Ambry Variant Classification Scheme 2023. Collection method: clinical testing. Allele origin: germline.
Comment: The p.R533Q variant (also known as c.1598G>A), located in coding exon 13 of the KCNQ1 gene, results from a G to A substitution at nucleotide position 1598. The arginine at codon 533 is replaced by glutamine, an amino acid with highly similar properties. This amino acid position is highly conserved in available vertebrate species. In addition, this alteration is predicted to be deleterious by in silico analysis. Since supporting evidence is limited at this time, the clinical significance of this alteration remains unclear.

All of Us Research Program, National Institutes of Health
Classification: Uncertain significance for Long QT syndrome. Last evaluated: 2024-04-16. Review status: criteria provided, single submitter. Criteria: ACMG Guidelines, 2015. Collection method: clinical testing. Allele origin: germline. Inheritance: Autosomal dominant inheritance. Observed: 3 variant alleles, 3 heterozygotes.
Comment: This missense variant replaces arginine with glutamine at codon 533 of the KCNQ1 protein. Computational prediction tool suggests that this variant may have deleterious impact on protein structure and function (internally defined REVEL score threshold >=0.7, PMID: 27666373). Splice site prediction tools suggest that this variant may not impact RNA splicing. To our knowledge, functional studies have not been performed for this variant. This variant has not been reported in individuals affected with cardiovascular disorders in the literature. This variant has been identified in 3/170478 chromosomes in the general population by the Genome Aggregation Database (gnomAD). The available evidence is insufficient to determine the role of this variant in disease conclusively. Therefore, this variant is classified as a Variant of Uncertain Significance.

This study involves interpretation of variants in research participants for the purpose of population health screening. Participant phenotype was not available at the time of variant classification. Additional details can be found in publication PMID: 35346344, PMCID: PMC8962531

Dept of Medical Biology, Uskudar University
Classification: Likely pathogenic for Long QT syndrome. Last evaluated: 2024-01-08. Review status: criteria provided, single submitter. Criteria: Dept of Medical Biology Variant Classification. Collection method: research. Allele origin: de novo. Affected: yes. Observed: 1 variant allele.
Comment: Criteria: PS2_Moderate, PM1_Supporting, PM2, PP3

AiLife Diagnostics
Classification: Uncertain significance. Last evaluated: 2021-11-20. Review status: criteria provided, single submitter. Criteria: ACMG Guidelines, 2015. Collection method: clinical testing. Allele origin: germline. Affected: yes. Observed: 1 variant allele.

CeGaT Center for Human Genetics Tuebingen
Classification: Uncertain significance. Last evaluated: 2017-02-28. Review status: criteria provided, single submitter. Criteria: Praxis fuer Humangenetik Tuebingen - Variant Classification Criteria. Collection method: clinical testing. Allele origin: germline. Affected: yes. Observed: 1 variant allele.

Literature cited by the submitters: PubMed 31696929 (cited by Women's Health and Genetics/Laboratory Corporation of America, LabCorp); PubMed 35130036 (cited by Women's Health and Genetics/Laboratory Corporation of America, LabCorp).

NM_000218.3(KCNQ1):c.1598G>A (p.Arg533Gln)

Gene: KCNQ1 (potassium voltage-gated channel subfamily Q member 1; plus strand). Cytogenetic location: 11p15.5.
Variant type: single nucleotide variant.
Coding change: c.1598G>A on transcript NM_000218.3 (MANE Select); coding-DNA position 1598, G replaced by A.
Protein change: p.Arg533Gln; replaces arginine 533 with glutamine.
Molecular consequence: missense variant.
Genome position (GRCh38, 1-based): chr11:2,775,967, G>A. VCF-style: chr11-2775967-G-A. GRCh37 (hg19) VCF-style: chr11-2797197-G-A.
Other names: c.1502G>A, p.Arg501Gln (NM_001406836.1); c.1328G>A, p.Arg443Gln (NM_001406837.1); c.1058G>A, p.Arg353Gln (NM_001406838.1); c.1217G>A, p.Arg406Gln (NM_181798.2); short protein forms R406Q, R533Q, R443Q, R501Q, R353Q.
Identifiers: ClinVar variation 444243 (VCV000444243.26), dbSNP rs574321120, ClinGen allele CA031441.